The following is an entry in ClinVar:

NM_000053.4(ATP7B):c.897A>G (p.Val299=)

Gene: ATP7B (ATPase copper transporting beta; minus strand). Cytogenetic location: 13q14.3.
Variant type: single nucleotide variant.
Coding change: c.897A>G on transcript NM_000053.4 (MANE Select); coding-DNA position 897, A replaced by G.
Protein change: p.Val299=; no amino-acid change (valine 299 retained).
Molecular consequence: synonymous variant. On other transcripts: intron variant (2).
Genome position (GRCh38, 1-based): chr13:51,974,323, T>C on the plus strand (A>G on the coding strand, the complement: ATP7B is on the minus strand). VCF-style: chr13-51974323-T-C. GRCh37 (hg19) VCF-style: chr13-52548459-T-C.
Other names: c.897A>G, p.Val299= (NM_001005918.3, NM_001330578.2, NM_001330579.2 and 29 more transcripts); c.801A>G, p.Val267= (NM_001406517.1, NM_001406518.1, NM_001406530.1 and 3 more transcripts); c.802+95A>G (NM_001243182.2); c.706+95A>G (NM_001406539.1).
Identifiers: ClinVar variation 3073653 (VCV003073653.1), dbSNP rs2547817239, ClinGen allele CA484024807.

ClinVar aggregate classification (germline): Likely benign (1 of 4 stars; one submission).

Conditions:
Wilson disease (WND). Also called: Wilson's disease. Identifiers: Orphanet 905, MedGen C0019202, MONDO:0010200, OMIM 277900. Disease mechanism: loss of function.

Submission:

All of Us Research Program, National Institutes of Health
Classification: Likely benign for Wilson disease. Last evaluated: 2023-10-02. Review status: criteria provided, single submitter. Criteria: ACMG Guidelines, 2015. Collection method: clinical testing. Allele origin: germline. Inheritance: Autosomal recessive inheritance. Observed: 1 variant allele, 1 heterozygote.
Comment: This study involves interpretation of variants in research participants for the purpose of population health screening. Participant phenotype was not available at the time of variant classification. Additional details can be found in publication PMID: 35346344, PMCID: PMC8962531